The following is an entry in ClinVar:

NM_000836.4(GRIN2D):c.821T>C (p.Met274Thr)

Gene: GRIN2D (glutamate ionotropic receptor NMDA type subunit 2D; plus strand). Cytogenetic location: 19q13.33.
Variant type: single nucleotide variant.
Coding change: c.821T>C on transcript NM_000836.4 (MANE Select); coding-DNA position 821, T replaced by C.
Protein change: p.Met274Thr; replaces methionine 274 with threonine.
Molecular consequence: missense variant.
Genome position (GRCh38, 1-based): chr19:48,405,089, T>C. VCF-style: chr19-48405089-T-C. GRCh37 (hg19) VCF-style: chr19-48908346-T-C.
Other names: short protein forms M274T.
Identifiers: ClinVar variation 4744705 (VCV004744705.1).

ClinVar aggregate classification (germline): Uncertain significance (1 of 4 stars; one submission).

Submission:

Labcorp Genetics (formerly Invitae), Labcorp
Classification: Uncertain significance. Last evaluated: 2025-05-11. Review status: criteria provided, single submitter. Criteria: Invitae Variant Classification Sherloc (09022015). Collection method: clinical testing. Allele origin: germline.
Comment: This sequence change replaces methionine, which is neutral and non-polar, with threonine, which is neutral and polar, at codon 274 of the GRIN2D protein (p.Met274Thr). This variant is not present in population databases (gnomAD no frequency). This variant has not been reported in the literature in individuals affected with GRIN2D-related conditions. Invitae Evidence Modeling of protein sequence and biophysical properties (such as structural, functional, and spatial information, amino acid conservation, physicochemical variation, residue mobility, and thermodynamic stability) indicates that this missense variant is not expected to disrupt GRIN2D protein function with a negative predictive value of 80%. In summary, the available evidence is currently insufficient to determine the role of this variant in disease. Therefore, it has been classified as a Variant of Uncertain Significance.